The following is an entry in ClinVar:

NM_003098.3(SNTA1):c.1114A>T (p.Thr372Ser)

Gene: SNTA1 (syntrophin alpha 1; minus strand). Cytogenetic location: 20q11.21.
Variant type: single nucleotide variant.
Coding change: c.1114A>T on transcript NM_003098.3 (MANE Select); coding-DNA position 1114, A replaced by T.
Protein change: p.Thr372Ser; replaces threonine 372 with serine.
Molecular consequence: missense variant.
Genome position (GRCh38, 1-based): chr20:33,410,258, T>A on the plus strand (A>T on the coding strand, the complement: SNTA1 is on the minus strand). VCF-style: chr20-33410258-T-A. GRCh37 (hg19) VCF-style: chr20-31998064-T-A.
Other names: short protein forms T372S.
Identifiers: ClinVar variation 1795866 (VCV001795866.2), dbSNP rs1989707288, ClinGen allele CA408630726.
Genomic context (GRCh38, chr20:33,410,258, plus strand): 5'-AGGCAGCCAGCTCCTGCGGTGACTCCACGCTGAACAGGTGAGTGTCCACACCGTGACGCG[T>A]GCCCGTGCGCAGGGCAAAAGAGAGCTCTGCATCGTAGGGCACTGAGCCCTTGGAGGGGCC-3'
Protein context (NP_003089.1, residues 362-382): AELSFALRTG[Thr372Ser]RHGVDTHLFS

ClinVar aggregate classification (germline): Uncertain significance (1 of 4 stars; one submission).

Conditions:
Cardiovascular phenotype. Identifiers: MedGen CN230736.

Allele frequency attached by ClinVar (database versions not stated): gnomAD exomes below 0.00001; gnomAD 0.00001.
gnomAD v4.1: 2 of 1,612,988 alleles (0.00012%); highest among the groups gnomAD compares: Admixed American, 0.0017%; no homozygotes.

Submission:

Ambry Genetics
Classification: Uncertain significance for Cardiovascular phenotype. Last evaluated: 2022-01-19. Review status: criteria provided, single submitter. Criteria: Ambry Variant Classification Scheme 2023. Collection method: clinical testing. Allele origin: germline.
Comment: The p.T372S variant (also known as c.1114A>T), located in coding exon 6 of the SNTA1 gene, results from an A to T substitution at nucleotide position 1114. The threonine at codon 372 is replaced by serine, an amino acid with similar properties. This amino acid position is conserved. In addition, this alteration is predicted to be tolerated by in silico analysis. Since supporting evidence is limited at this time, the clinical significance of this alteration remains unclear.